The following is an entry in ClinVar:

NM_053025.4(MYLK):c.3035A>G (p.Lys1012Arg)

Gene: MYLK (myosin light chain kinase; minus strand). Cytogenetic location: 3q21.1.
Variant type: single nucleotide variant.
Coding change: c.3035A>G on transcript NM_053025.4 (MANE Select); coding-DNA position 3035, A replaced by G.
Protein change: p.Lys1012Arg; replaces lysine 1012 with arginine.
Molecular consequence: missense variant.
Genome position (GRCh38, 1-based): chr3:123,700,433, T>C on the plus strand (A>G on the coding strand, the complement: MYLK is on the minus strand). VCF-style: chr3-123700433-T-C. GRCh37 (hg19) VCF-style: chr3-123419280-T-C.
Other names: c.2507A>G, p.Lys836Arg (NM_001321309.2); c.2828A>G, p.Lys943Arg (NM_053026.4, NM_053028.4); c.3035A>G, p.Lys1012Arg (NM_053027.4); short protein forms K1012R, K836R, K943R.
Identifiers: ClinVar variation 4697715 (VCV004697715.1).

ClinVar aggregate classification (germline): Uncertain significance (1 of 4 stars; one submission).

Conditions:
Aortic aneurysm, familial thoracic 7 (AAT7). Also called: AORTIC DISSECTION, FAMILIAL, WITH OR WITHOUT AORTIC ANEURYSM. Identifiers: MedGen C3151077, MONDO:0013418, OMIM 613780.

gnomAD v4.1: 2 of 1,611,422 alleles (0.00012%); highest among the groups gnomAD compares: African/African-American, 0.0027%; no homozygotes.

Submission:

Labcorp Genetics (formerly Invitae), Labcorp
Classification: Uncertain significance for Aortic aneurysm, familial thoracic 7. Last evaluated: 2025-08-10. Review status: criteria provided, single submitter. Criteria: Invitae Variant Classification Sherloc (09022015). Collection method: clinical testing. Allele origin: germline.
Comment: This sequence change replaces lysine, which is basic and polar, with arginine, which is basic and polar, at codon 1012 of the MYLK protein (p.Lys1012Arg). This variant is not present in population databases (gnomAD no frequency). This variant has not been reported in the literature in individuals affected with MYLK-related conditions. Invitae Evidence Modeling of protein sequence and biophysical properties (such as structural, functional, and spatial information, amino acid conservation, physicochemical variation, residue mobility, and thermodynamic stability) indicates that this missense variant is not expected to disrupt MYLK protein function with a negative predictive value of 80%. In summary, the available evidence is currently insufficient to determine the role of this variant in disease. Therefore, it has been classified as a Variant of Uncertain Significance.